The following is an entry in ClinVar:

NM_015335.5(MED13L):c.5586del (p.Asn1862fs)

Gene: MED13L (mediator complex subunit 13L; minus strand). Cytogenetic location: 12q24.21.
Variant type: Deletion.
Coding change: c.5586del on transcript NM_015335.5 (MANE Select); coding-DNA position 5586, one base deleted (C; older notation c.5586delC).
Protein change: p.Asn1862fs; shifts the reading frame from asparagine 1862.
Molecular consequence: frameshift variant.
Genome position (GRCh38, 1-based): chr12:115,975,517, G deleted on the plus strand (C on the coding strand, the reverse complement: MED13L is on the minus strand). VCF-style (leftmost placement, unchanged base first): chr12-115975516-TG-T. GRCh37 (hg19) VCF-style: chr12-116413321-TG-T.
Other names: short protein forms N1862fs.
Identifiers: ClinVar variation 3236367 (VCV003236367.1), dbSNP rs2499798316, ClinGen allele CA2825002060.
Genomic context (GRCh38, chr12:115,975,516, plus strand): 5'-ATATTTGAGGAACGGTACAGCATTAATTTACATGCACCATAAACATCAAGTCTTCTCACC[TG>T]TTTGGTAAAGCAATATTTACAACGCAGGTCTCTAATAATTCCCCATGGAGGTCAGTGCAG-3'

ClinVar aggregate classification (germline): Likely pathogenic (1 of 4 stars; one submission).

Conditions:
Cardiac anomalies - developmental delay - facial dysmorphism syndrome (MRFACD). Also called: MED13L Syndrome; Impaired intellectual development and distinctive facial features with or without cardiac defects. Identifiers: Orphanet 369891, MedGen C5192431, MONDO:0014773, OMIM 616789.

Submission:

MVZ Medizinische Genetik Mainz
Classification: Likely pathogenic for Cardiac anomalies - developmental delay - facial dysmorphism syndrome. Last evaluated: 2024-05-07. Review status: criteria provided, single submitter. Criteria: UK Practice Guidelines For Variant Classification V4 01 2020. Collection method: clinical testing. Allele origin: germline. Inheritance: Autosomal dominant inheritance. Affected: yes. Observed: 1 variant allele.
Comment: ACMG Criteria: PVS1,PM2_SUP